The following is an entry in ClinVar:

ClinVar aggregate classification (germline): Likely benign (0 of 4 stars; one submission).

Conditions:
POMC-related disorder. Also called: POMC-related disorders; POMC-related condition.

Allele frequency attached by ClinVar (database versions not stated): gnomAD exomes below 0.00001; gnomAD 0.00001; TOPMed 0.00002.
gnomAD v4.1: 4 of 1,607,046 alleles (0.00025%); highest among the groups gnomAD compares: African/African-American, 0.0027%; no homozygotes.

Submission:

PreventionGenetics, part of Exact Sciences
Classification: Likely benign for POMC-related condition. Last evaluated: 2023-11-22. Review status: no assertion criteria provided. Collection method: clinical testing. Allele origin: germline.
Comment: This variant is classified as likely benign based on ACMG/AMP sequence variant interpretation guidelines (Richards et al. 2015 PMID: 25741868, with internal and published modifications).

NM_000939.4(POMC):c.504G>C (p.Ser168=)

Gene: POMC (proopiomelanocortin; minus strand). Cytogenetic location: 2p23.3.
Variant type: single nucleotide variant.
Coding change: c.504G>C on transcript NM_000939.4 (MANE Select); coding-DNA position 504, G replaced by C.
Protein change: p.Ser168=; no amino-acid change (serine 168 retained).
Molecular consequence: synonymous variant.
Genome position (GRCh38, 1-based): chr2:25,161,381, C>G on the plus strand (G>C on the coding strand, the complement: POMC is on the minus strand). VCF-style: chr2-25161381-C-G. GRCh37 (hg19) VCF-style: chr2-25384250-C-G.
Other names: c.504G>C, p.Ser168= (NM_001035256.3, NM_001319204.2, NM_001319205.2).
Identifiers: ClinVar variation 3057553 (VCV003057553.2), dbSNP rs1054095367, ClinGen allele CA43684604.